The following is an entry in ClinVar:

NM_000426.4(LAMA2):c.1085G>T (p.Arg362Ile)

Gene: LAMA2 (laminin subunit alpha 2; plus strand). Cytogenetic location: 6q22.33.
Variant type: single nucleotide variant.
Coding change: c.1085G>T on transcript NM_000426.4 (MANE Select); coding-DNA position 1085, G replaced by T.
Protein change: p.Arg362Ile; replaces arginine 362 with isoleucine.
Molecular consequence: missense variant.
Genome position (GRCh38, 1-based): chr6:129,154,562, G>T. VCF-style: chr6-129154562-G-T. GRCh37 (hg19) VCF-style: chr6-129475707-G-T.
Other names: c.1085G>T, p.Arg362Ile (NM_001079823.2); short protein forms R362I.
Identifiers: ClinVar variation 355246 (VCV000355246.8), dbSNP rs182958473, ClinGen allele CA3992519.

ClinVar aggregate classification (germline): Conflicting classifications of pathogenicity. Review status: criteria provided, conflicting classifications (1 of 4 stars). 3 submissions from 3 submitters: Uncertain significance (2); Likely benign (1). Last evaluated 2023-06-29.

Conditions:
Inborn genetic diseases. Identifiers: MedGen C0950123, MeSH D030342.
Muscular dystrophy, limb-girdle, autosomal recessive 23. Identifiers: Orphanet 565837, MedGen C4748327, MONDO:0029136, OMIM 618138.
Congenital muscular dystrophy due to partial LAMA2 deficiency. Identifiers: MedGen C1842898.

Allele frequency attached by ClinVar (database versions not stated): gnomAD exomes 0.00005 and 0.00023; ExAC 0.00017; 1000 Genomes Project 0.00140; 1000 Genomes Project 30x 0.00141; gnomAD 0.00005 and 0.00011; TOPMed 0.00008.
gnomAD v4.1: 107 of 1,614,036 alleles (0.0066%); highest among the groups gnomAD compares: East Asian, 0.14%; 1 homozygote.

Submissions (3):

Ambry Genetics
Classification: Likely benign for Inborn genetic diseases. Last evaluated: 2023-06-29. Review status: criteria provided, single submitter. Criteria: Ambry Variant Classification Scheme 2023. Collection method: clinical testing. Allele origin: germline.

Neuberg Centre For Genomic Medicine, NCGM
Classification: Uncertain significance for Muscular dystrophy, limb-girdle, autosomal recessive 23. Last evaluated: 2023-05-20. Review status: criteria provided, single submitter. Criteria: ACMG Guidelines, 2015. Collection method: clinical testing. Allele origin: germline. Inheritance: Autosomal recessive inheritance. Affected: yes.
Comment: The missense variant c.1085G>T (p.Arg362Ile) in the LAMA2 gene has not been reported previously as a pathogenic variant nor as a benign variant, to our knowledge. This variant is reported with the allele frequency (0.02%) in the gnomAD Exomes. This variant has been reported to the ClinVar database as Uncertain Significance. However, no details are available for independent assessment. The amino acid Arginine at position 362 is changed to a Isoleucine changing protein sequence and it might alter its composition and physico- chemical properties. Computational evidence (Polyphen, SIFT and MutationTaster) predicts conflicting evidence on protein structure and function for this variant. The reference amino acid change p.Arg362Ile in LAMA2 is predicted as conserved by GERP++ and PhyloP across 100 vertebrates. For these reasons, this variant has been classified as Uncertain Significance.

Illumina Laboratory Services, Illumina
Classification: Uncertain significance for Congenital muscular dystrophy due to partial LAMA2 deficiency. Last evaluated: 2018-01-13. Review status: criteria provided, single submitter. Criteria: ICSL Variant Classification Criteria 13 December 2019. Collection method: clinical testing. Allele origin: germline.